The following is an entry in ClinVar:

ClinVar aggregate classification (germline): Likely benign. Review status: criteria provided, multiple submitters, no conflicts (2 of 4 stars). 2 submissions from 2 submitters: Likely benign (2). Last evaluated 2026-01-26.

Conditions:
Early-infantile DEE. Also called: Early infantile epileptic encephalopathy; Ohtahara syndrome; Early infantile epileptic encephalopathy with suppression bursts. Identifiers: Orphanet 1934, MedGen C0393706, MONDO:0800491.

Allele frequency attached by ClinVar (database versions not stated): ExAC below 0.00001; gnomAD exomes 0.00001; gnomAD 0.00003 and 0.00009; TOPMed 0.00014.
gnomAD v4.1: 26 of 1,611,652 alleles (0.0016%); highest among the groups gnomAD compares: African/African-American, 0.0067%; no homozygotes.

Submissions (2):

Labcorp Genetics (formerly Invitae), Labcorp
Classification: Likely benign for Early-infantile DEE. Last evaluated: 2026-01-26. Review status: criteria provided, single submitter. Criteria: Invitae Variant Classification Sherloc (09022015). Collection method: clinical testing. Allele origin: germline.

CeGaT Center for Human Genetics Tuebingen
Classification: Likely benign. Last evaluated: 2023-01-01. Review status: criteria provided, single submitter. Criteria: CeGaT Center For Human Genetics Tuebingen Variant Classification Criteria Version 2. Collection method: clinical testing. Allele origin: germline. Affected: yes. Observed: 1 variant allele.
Comment: KCNQ2: BP4, BP7

NM_172107.4(KCNQ2):c.2373G>A (p.Pro791=)

Gene: KCNQ2 (potassium voltage-gated channel subfamily Q member 2; minus strand). Cytogenetic location: 20q13.33.
Variant type: single nucleotide variant.
Coding change: c.2373G>A on transcript NM_172107.4 (MANE Select); coding-DNA position 2373, G replaced by A.
Protein change: p.Pro791=; no amino-acid change (proline 791 retained).
Molecular consequence: synonymous variant.
Genome position (GRCh38, 1-based): chr20:63,406,890, C>T on the plus strand (G>A on the coding strand, the complement: KCNQ2 is on the minus strand). VCF-style: chr20-63406890-C-T. GRCh37 (hg19) VCF-style: chr20-62038243-C-T.
Other names: c.2289G>A, p.Pro763= (NM_004518.6); c.2319G>A, p.Pro773= (NM_172106.3); c.2280G>A, p.Pro760= (NM_172108.5).
Identifiers: ClinVar variation 461418 (VCV000461418.36), dbSNP rs749958721, ClinGen allele CA9958086.